The following is an entry in ClinVar:

NM_001135649.3(FOXI3):c.646G>A (p.Gly216Ser)

Gene: FOXI3 (forkhead box I3; minus strand). Cytogenetic location: 2p11.2.
Variant type: single nucleotide variant.
Coding change: c.646G>A on transcript NM_001135649.3 (MANE Select); coding-DNA position 646, G replaced by A.
Protein change: p.Gly216Ser; replaces glycine 216 with serine.
Molecular consequence: missense variant.
Genome position (GRCh38, 1-based): chr2:88,448,824, C>T on the plus strand (G>A on the coding strand, the complement: FOXI3 is on the minus strand). VCF-style: chr2-88448824-C-T. GRCh37 (hg19) VCF-style: chr2-88748343-C-T.
Other names: short protein forms G216S.
Identifiers: ClinVar variation 2196983 (VCV002196983.4), dbSNP rs756470601, ClinGen allele CA1754003.
Genomic context (GRCh38, chr2:88,448,824, plus strand): 5'-GACGGAAGTTCCCATTGTCAAACATTTTCTCGCAGTTCGGATCAAGAGTCCAATAATTAC[C>T]CTTTCCTGAGAAGATGAGAAAGACCAAGTTAGAGAAGGACCTATTCAATGCCTGTGTACT-3'
Protein context (NP_001129121.1, residues 206-226): VPRDEDDPGK[Gly216Ser]NYWTLDPNCE

ClinVar aggregate classification (germline): Uncertain significance (1 of 4 stars; one submission).

Allele frequency attached by ClinVar (database versions not stated): gnomAD exomes below 0.00001; gnomAD 0.00001; TOPMed 0.00001; ExAC 0.00006.
gnomAD v4.1: 7 of 1,549,042 alleles (0.00045%); highest among the groups gnomAD compares: Non-Finnish European, 0.00061%; no homozygotes.

Submission:

Labcorp Genetics (formerly Invitae), Labcorp
Classification: Uncertain significance. Last evaluated: 2023-08-04. Review status: criteria provided, single submitter. Criteria: Invitae Variant Classification Sherloc (09022015). Collection method: clinical testing. Allele origin: germline.
Comment: This variant has not been reported in the literature in individuals affected with FOXI3-related conditions. ClinVar contains an entry for this variant (Variation ID: 2196983). Experimental studies and prediction algorithms are not available or were not evaluated, and the functional significance of this variant is currently unknown. This sequence change replaces glycine, which is neutral and non-polar, with serine, which is neutral and polar, at codon 216 of the FOXI3 protein (p.Gly216Ser). In summary, the available evidence is currently insufficient to determine the role of this variant in disease. Therefore, it has been classified as a Variant of Uncertain Significance. This variant is present in population databases (rs756470601, gnomAD 0.002%).